The following is an entry in ClinVar:

NM_001372.4(DNAH9):c.5059A>G (p.Met1687Val)

Gene: DNAH9 (dynein axonemal heavy chain 9; plus strand). Cytogenetic location: 17p12.
Variant type: single nucleotide variant.
Coding change: c.5059A>G on transcript NM_001372.4 (MANE Select); coding-DNA position 5059, A replaced by G.
Protein change: p.Met1687Val; replaces methionine 1687 with valine.
Molecular consequence: missense variant.
Genome position (GRCh38, 1-based): chr17:11,701,155, A>G. VCF-style: chr17-11701155-A-G. GRCh37 (hg19) VCF-style: chr17-11604472-A-G.
Other names: short protein forms M1687V.
Identifiers: ClinVar variation 2043629 (VCV002043629.4), dbSNP rs772974590, ClinGen allele CA8395896.

ClinVar aggregate classification (germline): Uncertain significance (1 of 4 stars; one submission).

Allele frequency attached by ClinVar (database versions not stated): gnomAD exomes below 0.00001; gnomAD 0.00001; ExAC 0.00002; TOPMed 0.00002.

Submission:

Labcorp Genetics (formerly Invitae), Labcorp
Classification: Uncertain significance. Last evaluated: 2022-04-09. Review status: criteria provided, single submitter. Criteria: Invitae Variant Classification Sherloc (09022015). Collection method: clinical testing. Allele origin: germline.
Comment: This sequence change replaces methionine, which is neutral and non-polar, with valine, which is neutral and non-polar, at codon 1687 of the DNAH9 protein (p.Met1687Val). This variant is present in population databases (rs772974590, gnomAD 0.02%). This variant has not been reported in the literature in individuals affected with DNAH9-related conditions. Algorithms developed to predict the effect of missense changes on protein structure and function are either unavailable or do not agree on the potential impact of this missense change (SIFT: "Deleterious"; PolyPhen-2: "Benign"; Align-GVGD: "Class C0"). In summary, the available evidence is currently insufficient to determine the role of this variant in disease. Therefore, it has been classified as a Variant of Uncertain Significance.